The following is an entry in ClinVar:

NM_000069.3(CACNA1S):c.3948C>G (p.Leu1316=)

Gene: CACNA1S (calcium voltage-gated channel subunit alpha1 S; minus strand). Cytogenetic location: 1q32.1.
Variant type: single nucleotide variant.
Coding change: c.3948C>G on transcript NM_000069.3 (MANE Select); coding-DNA position 3948, C replaced by G.
Protein change: p.Leu1316=; no amino-acid change (leucine 1316 retained).
Molecular consequence: synonymous variant.
Genome position (GRCh38, 1-based): chr1:201,052,562, G>C on the plus strand (C>G on the coding strand, the complement: CACNA1S is on the minus strand). VCF-style: chr1-201052562-G-C. GRCh37 (hg19) VCF-style: chr1-201021690-G-C.
Identifiers: ClinVar variation 3072434 (VCV003072434.1), dbSNP rs1660691329, ClinGen allele CA422719355.

ClinVar aggregate classification (germline): Likely benign (1 of 4 stars; one submission).

Conditions:
Malignant hyperthermia, susceptibility to, 5 (MHS5). Also called: CACNA1S-Related Malignant Hyperthermia Susceptibility. Identifiers: Orphanet 423, MedGen C1866077, MONDO:0011163, OMIM 601887.

Submission:

All of Us Research Program, National Institutes of Health
Classification: Likely benign for Malignant hyperthermia, susceptibility to, 5. Last evaluated: 2023-07-10. Review status: criteria provided, single submitter. Criteria: ACMG Guidelines, 2015. Collection method: clinical testing. Allele origin: germline. Inheritance: Autosomal dominant inheritance. Observed: 1 variant allele, 1 heterozygote.
Comment: This study involves interpretation of variants in research participants for the purpose of population health screening. Participant phenotype was not available at the time of variant classification. Additional details can be found in publication PMID: 35346344, PMCID: PMC8962531